The following is an entry in ClinVar:

ClinVar aggregate classification (germline): Likely benign. Review status: criteria provided, single submitter (1 of 4 stars). 2 submissions from 1 submitter: Likely benign (2). Last evaluated 2018-01-12.

Conditions:
Lethal Kniest-like syndrome (DDSH). Also called: Dyssegmental Dysplasia. Identifiers: Orphanet 1865, MedGen C1857100, MONDO:0009140, OMIM 224410.
Schwartz-Jampel syndrome. Also called: Myotonic myopathy dwarfism chondrodystrophy and ocular and facial abnormalities. Identifiers: Orphanet 800, MedGen C0036391, MONDO:0009717.

Allele frequency attached by ClinVar (database versions not stated): gnomAD exomes 0.00013; gnomAD 0.00044 and 0.00047; 1000 Genomes Project 30x 0.00047; 1000 Genomes Project 0.00060; TOPMed 0.00064.
gnomAD v4.1: 72 of 168,888 alleles (0.043%); highest among the groups gnomAD compares: Middle Eastern, 0.29%; 1 homozygote.

Submissions (2):

Illumina Laboratory Services, Illumina
Classification: Likely benign for Lethal Kniest-like syndrome. Last evaluated: 2018-01-12. Review status: criteria provided, single submitter. Criteria: ICSL Variant Classification Criteria 13 December 2019. Collection method: clinical testing. Allele origin: germline.
Comment: This variant was observed in the ICSL laboratory as part of a predisposition screen in an ostensibly healthy population. It had not been previously curated by ICSL or reported in the Human Gene Mutation Database (HGMD: prior to June 1st, 2018), and was therefore a candidate for classification through an automated scoring system. Utilizing variant allele frequency, disease prevalence and penetrance estimates, and inheritance mode, an automated score was calculated to assess if this variant is too frequent to cause the disease. Based on the score and internal cut-off values, a variant classified as likely benign is not then subjected to further curation. The score for this variant resulted in a classification of likely benign for this disease.

Illumina Laboratory Services, Illumina
Classification: Likely benign for Schwartz-Jampel syndrome type 1. Last evaluated: 2018-01-12. Review status: criteria provided, single submitter. Criteria: ICSL Variant Classification Criteria 13 December 2019. Collection method: clinical testing. Allele origin: germline.
Comment: the same text as in the submission from Illumina Laboratory Services, Illumina above.

NM_005529.7(HSPG2):c.*623C>G

Genes: HSPG2 (heparan sulfate proteoglycan 2; minus strand), LDLRAD2 (low density lipoprotein receptor class A domain containing 2; plus strand). Cytogenetic location: 1p36.12.
Variant type: single nucleotide variant.
Coding change: c.*623C>G on transcript NM_005529.7 (MANE Select); 623 bases downstream of the stop codon, C replaced by G.
Molecular consequence: 3 prime UTR variant.
Genome position (GRCh38, 1-based): chr1:21,822,693, G>C on the plus strand (C>G on the coding strand, the complement: HSPG2 is on the minus strand). VCF-style: chr1-21822693-G-C. GRCh37 (hg19) VCF-style: chr1-22149186-G-C.
Other names: c.*623C>G (NM_001291860.2); c.*478G>C (NM_001013693.3).
Identifiers: ClinVar variation 295686 (VCV000295686.5), dbSNP rs538032437, ClinGen allele CA10609880.